The following is an entry in ClinVar:

ClinVar aggregate classification (germline): Uncertain significance (1 of 4 stars; one submission).

Submission:

Labcorp Genetics (formerly Invitae), Labcorp
Classification: Uncertain significance. Last evaluated: 2022-09-07. Review status: criteria provided, single submitter. Criteria: Invitae Variant Classification Sherloc (09022015). Collection method: clinical testing. Allele origin: germline.
Comment: This variant is not present in population databases (gnomAD no frequency). In summary, the available evidence is currently insufficient to determine the role of this variant in disease. Therefore, it has been classified as a Variant of Uncertain Significance. Advanced modeling of protein sequence and biophysical properties (such as structural, functional, and spatial information, amino acid conservation, physicochemical variation, residue mobility, and thermodynamic stability) performed at Invitae indicates that this missense variant is not expected to disrupt CACNA1E protein function. This variant has not been reported in the literature in individuals affected with CACNA1E-related conditions. This sequence change replaces glycine, which is neutral and non-polar, with glutamic acid, which is acidic and polar, at codon 454 of the CACNA1E protein (p.Gly454Glu).

NM_001205293.3(CACNA1E):c.1361G>A (p.Gly454Glu)

Gene: CACNA1E (calcium voltage-gated channel subunit alpha1 E; plus strand). Cytogenetic location: 1q25.3.
Variant type: single nucleotide variant.
Coding change: c.1361G>A on transcript NM_001205293.3 (MANE Select); coding-DNA position 1361, G replaced by A.
Protein change: p.Gly454Glu; replaces glycine 454 with glutamic acid.
Molecular consequence: missense variant.
Genome position (GRCh38, 1-based): chr1:181,717,138, G>A. VCF-style: chr1-181717138-G-A. GRCh37 (hg19) VCF-style: chr1-181686274-G-A.
Other names: c.1361G>A, p.Gly454Glu (NM_000721.4, NM_001205294.2); short protein forms G454E.
Identifiers: ClinVar variation 2015801 (VCV002015801.4), dbSNP rs2528508811, ClinGen allele CA343624836.